The following is an entry in ClinVar:

NM_000214.3(JAG1):c.52C>A (p.Leu18Ile)

Gene: JAG1 (jagged canonical Notch ligand 1; minus strand). Cytogenetic location: 20p12.2.
Variant type: single nucleotide variant.
Coding change: c.52C>A on transcript NM_000214.3 (MANE Select); coding-DNA position 52, C replaced by A.
Protein change: p.Leu18Ile; replaces leucine 18 with isoleucine.
Molecular consequence: missense variant.
Genome position (GRCh38, 1-based): chr20:10,673,479, G>T on the plus strand (C>A on the coding strand, the complement: JAG1 is on the minus strand). VCF-style: chr20-10673479-G-T. GRCh37 (hg19) VCF-style: chr20-10654127-G-T.
Other names: short protein forms L18I.
Identifiers: ClinVar variation 1947721 (VCV001947721.6), dbSNP rs1333175594, ClinGen allele CA408244165.

ClinVar aggregate classification (germline): Uncertain significance. Review status: criteria provided, multiple submitters, no conflicts (2 of 4 stars). 2 submissions from 2 submitters: Uncertain significance (2). Last evaluated 2024-06-11.

Conditions:
Alagille syndrome due to a JAG1 point mutation. Also called: JAG1-Related Alagille Syndrome; HEPATIC DUCTULAR HYPOPLASIA, SYNDROMATIC; Alagille Syndrome 1. Identifiers: Orphanet 261619, Orphanet 52, MedGen C1956125, MONDO:0016862, OMIM 118450.
Deafness, congenital heart defects, and posterior embryotoxon (DCHE). Identifiers: MedGen C1866053, MONDO:0060713, OMIM 617992.
Tetralogy of Fallot (TOF). Identifiers: Orphanet 3303, MedGen C0039685, MONDO:0008542, OMIM 187500, HP:0001636.
Charcot-Marie-Tooth disease, axonal, Type 2HH. Also called: CHARCOT-MARIE-TOOTH NEUROPATHY, TYPE 2HH. Identifiers: MedGen C5562003, MONDO:0030458, OMIM 619574.

Submissions (2):

Labcorp Genetics (formerly Invitae), Labcorp
Classification: Uncertain significance for Alagille syndrome due to a JAG1 point mutation. Last evaluated: 2024-06-11. Review status: criteria provided, single submitter. Criteria: Invitae Variant Classification Sherloc (09022015). Collection method: clinical testing. Allele origin: germline.
Comment: This sequence change replaces leucine, which is neutral and non-polar, with isoleucine, which is neutral and non-polar, at codon 18 of the JAG1 protein (p.Leu18Ile). This variant is not present in population databases (gnomAD no frequency). This variant has not been reported in the literature in individuals affected with JAG1-related conditions. ClinVar contains an entry for this variant (Variation ID: 1947721). Advanced modeling of protein sequence and biophysical properties (such as structural, functional, and spatial information, amino acid conservation, physicochemical variation, residue mobility, and thermodynamic stability) performed at Invitae indicates that this missense variant is not expected to disrupt JAG1 protein function with a negative predictive value of 95%. In summary, the available evidence is currently insufficient to determine the role of this variant in disease. Therefore, it has been classified as a Variant of Uncertain Significance.

Fulgent Genetics
Classification: Uncertain significance for Alagille syndrome due to a JAG1 point mutation; Tetralogy of Fallot; Deafness, congenital heart defects, and posterior embryotoxon; Charcot-Marie-Tooth disease, axonal, Type 2HH. Last evaluated: 2024-02-09. Review status: criteria provided, single submitter. Criteria: ACMG Guidelines, 2015. Collection method: clinical testing. Allele origin: germline.